The following is an entry in ClinVar:

ClinVar aggregate classification (germline): Uncertain significance. Review status: criteria provided, multiple submitters, no conflicts (2 of 4 stars). 3 submissions from 3 submitters: Uncertain significance (3). Last evaluated 2025-02-07.

Conditions:
Autosomal recessive limb-girdle muscular dystrophy type 2Y (MRRSDC). Also called: Muscular dystrophy, limb-girdle, type 2y; Muscular dystrophy, autosomal recessive, with rigid spine and distal joint contractures. Identifiers: Orphanet 424261, MedGen C4511482, MONDO:0014900, OMIM 617072.
Inborn genetic diseases. Identifiers: MedGen C0950123, MeSH D030342.

Allele frequency attached by ClinVar (database versions not stated): ExAC 0.00002; gnomAD exomes 0.00002; gnomAD 0.00006 and 0.00007; ESP Exome Variant Server 0.00008; TOPMed 0.00011.
gnomAD v4.1: 39 of 1,611,268 alleles (0.0024%); highest among the groups gnomAD compares: African/African-American, 0.039%; no homozygotes.

Submissions (3):

Ambry Genetics
Classification: Uncertain significance for Inborn genetic diseases. Last evaluated: 2025-02-07. Review status: criteria provided, single submitter. Criteria: Ambry Variant Classification Scheme 2023. Collection method: clinical testing. Allele origin: germline.

GeneDx
Classification: Uncertain significance. Last evaluated: 2024-05-22. Review status: criteria provided, single submitter. Criteria: GeneDx Variant Classification Process June 2021. Collection method: clinical testing. Allele origin: germline. Affected: yes.
Comment: In silico analysis supports that this missense variant has a deleterious effect on protein structure/function; Has not been previously published as pathogenic or benign to our knowledge

Labcorp Genetics (formerly Invitae), Labcorp
Classification: Uncertain significance for Autosomal recessive limb-girdle muscular dystrophy type 2Y. Last evaluated: 2021-09-09. Review status: criteria provided, single submitter. Criteria: Invitae Variant Classification Sherloc (09022015). Collection method: clinical testing. Allele origin: germline.
Comment: In summary, the available evidence is currently insufficient to determine the role of this variant in disease. Therefore, it has been classified as a Variant of Uncertain Significance. Algorithms developed to predict the effect of missense changes on protein structure and function are either unavailable or do not agree on the potential impact of this missense change (SIFT: "Deleterious"; PolyPhen-2: "Probably Damaging"; Align-GVGD: "Class C0"). This variant has not been reported in the literature in individuals affected with TOR1AIP1-related conditions. This variant is present in population databases (rs150816990, ExAC 0.03%). This sequence change replaces threonine with methionine at codon 171 of the TOR1AIP1 protein (p.Thr171Met). The threonine residue is weakly conserved and there is a moderate physicochemical difference between threonine and methionine.

NM_015602.4(TOR1AIP1):c.512C>T (p.Thr171Met)

Gene: TOR1AIP1 (torsin 1A interacting protein 1; plus strand). Cytogenetic location: 1q25.2.
Variant type: single nucleotide variant.
Coding change: c.512C>T on transcript NM_015602.4 (MANE Select); coding-DNA position 512, C replaced by T.
Protein change: p.Thr171Met; replaces threonine 171 with methionine.
Molecular consequence: missense variant.
Genome position (GRCh38, 1-based): chr1:179,884,728, C>T. VCF-style: chr1-179884728-C-T. GRCh37 (hg19) VCF-style: chr1-179853863-C-T.
Other names: c.512C>T, p.Thr171Met (NM_001267578.2); c.512C>T (NM_001267578.1, NM_015602.2); short protein forms T171M.
Identifiers: ClinVar variation 1381571 (VCV001381571.6), dbSNP rs150816990, ClinGen allele CA1268814.